The following is an entry in ClinVar:

ClinVar aggregate classification (germline): Benign/Likely benign. Review status: criteria provided, multiple submitters, no conflicts (2 of 4 stars). 6 submissions from 6 submitters: Benign (4); Likely benign (1). 1 of the submissions does not count toward it. Last evaluated 2026-01-15.

Conditions:
Inborn genetic diseases. Identifiers: MedGen C0950123, MeSH D030342.
Oculofaciocardiodental syndrome (MCOPS2). Identifiers: Orphanet 2712, MedGen C1846265, MONDO:0010261, OMIM 300166.

Allele frequency attached by ClinVar (database versions not stated): ESP Exome Variant Server 0.00019; 1000 Genomes Project 30x 0.00021; 1000 Genomes Project 0.00026; gnomAD 0.00026 and 0.00027; gnomAD exomes 0.00030 and 0.00162; TOPMed 0.00082; ExAC 0.00186.
gnomAD v4.1: 352 of 1,200,919 alleles (0.029%); highest among the groups gnomAD compares: Admixed American, 0.74%; no homozygotes.

Submissions (6):

Labcorp Genetics (formerly Invitae), Labcorp
Classification: Benign for Oculofaciocardiodental syndrome. Last evaluated: 2026-01-15. Review status: criteria provided, single submitter. Criteria: Invitae Variant Classification Sherloc (09022015). Collection method: clinical testing. Allele origin: germline.

Blueprint Genetics
Classification: Likely benign. Last evaluated: 2024-10-18. Review status: criteria provided, single submitter. Criteria: ACMG Guidelines, 2015. Collection method: clinical testing. Allele origin: germline.

Ambry Genetics
Classification: Benign for Inborn genetic diseases. Last evaluated: 2021-11-08. Review status: criteria provided, single submitter. Criteria: Ambry Variant Classification Scheme 2023. Collection method: clinical testing. Allele origin: germline.

Genetic Services Laboratory, University of Chicago
Classification: Benign. Last evaluated: 2016-01-05. Review status: criteria provided, single submitter. Criteria: ACMG Guidelines, 2015. Collection method: clinical testing. Allele origin: germline. Affected: no.

Breakthrough Genomics
Classification: Benign. Review status: criteria provided, single submitter. Criteria: ACMG Guidelines, 2015. Collection method: not provided. Allele origin: germline. Inheritance: X-linked inheritance. Affected: yes.

ITMI
No classification provided. Condition: AllHighlyPenetrant. Last evaluated: 2013-09-19. Review status: no classification provided. Collection method: reference population. Allele origin: germline. Not counted in ClinVar's aggregate classification.
Comment: Please see associated publication for description of ethnicities

Literature cited by the submitters: PubMed 24728327 (cited by ITMI).

NM_001123385.2(BCOR):c.3974A>G (p.Lys1325Arg)

Gene: BCOR (BCL6 corepressor; minus strand). Cytogenetic location: Xp11.4.
Variant type: single nucleotide variant.
Coding change: c.3974A>G on transcript NM_001123385.2 (MANE Select); coding-DNA position 3974, A replaced by G.
Protein change: p.Lys1325Arg; replaces lysine 1325 with arginine.
Molecular consequence: missense variant.
Genome position (GRCh38, 1-based): chrX:40,062,945, T>C on the plus strand (A>G on the coding strand, the complement: BCOR is on the minus strand). VCF-style: chrX-40062945-T-C. GRCh37 (hg19) VCF-style: chrX-39922198-T-C.
Other names: c.3872A>G, p.Lys1291Arg (NM_001123383.2, NM_017745.6); c.3818A>G, p.Lys1273Arg (NM_001123384.2); short protein forms K1291R, K1325R, K1273R.
Identifiers: ClinVar variation 133695 (VCV000133695.19), dbSNP rs187172641, ClinGen allele CA157368.